The following is an entry in ClinVar:

NM_005121.3(MED13):c.4114G>T (p.Val1372Phe)

Gene: MED13 (mediator complex subunit 13; minus strand). Cytogenetic location: 17q23.2.
Variant type: single nucleotide variant.
Coding change: c.4114G>T on transcript NM_005121.3 (MANE Select); coding-DNA position 4114, G replaced by T.
Protein change: p.Val1372Phe; replaces valine 1372 with phenylalanine.
Molecular consequence: missense variant.
Genome position (GRCh38, 1-based): chr17:61,968,112, C>A on the plus strand (G>T on the coding strand, the complement: MED13 is on the minus strand). VCF-style: chr17-61968112-C-A. GRCh37 (hg19) VCF-style: chr17-60045473-C-A.
Other names: short protein forms V1372F.
Identifiers: ClinVar variation 4279887 (VCV004279887.1).

ClinVar aggregate classification (germline): Uncertain significance (1 of 4 stars; one submission).

Conditions:
Intellectual developmental disorder 61. Also called: MENTAL RETARDATION, AUTOSOMAL DOMINANT 61; INTELLECTUAL DEVELOPMENTAL DISORDER, AUTOSOMAL DOMINANT 61. Identifiers: MedGen C5231400, MONDO:0032485, OMIM 618009.

gnomAD v4.1: 4 of 1,613,954 alleles (0.00025%); highest among the groups gnomAD compares: Non-Finnish European, 0.00034%; no homozygotes.

Submission:

Clinical Genomics Laboratory, Washington University in St. Louis
Classification: Uncertain significance for Intellectual developmental disorder 61. Last evaluated: 2025-09-04. Review status: criteria provided, single submitter. Criteria: ACMG Guidelines, 2015. Collection method: clinical testing. Allele origin: germline.
Comment: The MED13 c.4114G>T (p.Val1372Phe) variant, to our knowledge, has not been reported in the medical literature and is only observed in 1/249,510 alleles in the general population (gnomAD v.2.1.1), indicating it is not a common variant. Computational predictors are uncertain as to the impact of this variant on MED13 function. Due to limited information, and based on ACMG/AMP guidelines for variant interpretation (Richards S et al., PMID: 25741868), the clinical significance of this variant is uncertain at this time.